The following is an entry in ClinVar:

NM_001148.6(ANK2):c.2944C>T (p.Arg982Ter)

Gene: ANK2 (ankyrin 2; plus strand). Cytogenetic location: 4q26.
Variant type: single nucleotide variant.
Coding change: c.2944C>T on transcript NM_001148.6 (MANE Select); coding-DNA position 2944, C replaced by T.
Protein change: p.Arg982Ter; replaces arginine 982 with a stop codon.
Molecular consequence: nonsense.
Genome position (GRCh38, 1-based): chr4:113,330,289, C>T. VCF-style: chr4-113330289-C-T. GRCh37 (hg19) VCF-style: chr4-114251445-C-T.
Other names: c.2944C>T (NM_001148.4); c.3022C>T, p.Arg1008Ter (NM_001354230.2, NM_001354237.2); c.2986C>T, p.Arg996Ter (NM_001354231.2, NM_001354242.2); c.2980C>T, p.Arg994Ter (NM_001354232.2); c.2941C>T, p.Arg981Ter (NM_001354235.2, NM_001354236.2, NM_001354246.2 and 1 more transcripts); c.2914C>T, p.Arg972Ter (NM_001354252.2, NM_001354239.2, NM_001354272.2); c.2818C>T, p.Arg940Ter (NM_001354253.2, NM_001354270.2); c.2893C>T, p.Arg965Ter (NM_001354254.2); and 24 more; short protein forms R1008*, R887*, R915*, R920*, R948*, R953*, R961*, R994*.
Identifiers: ClinVar variation 809661 (VCV000809661.47), dbSNP rs1588354762, ClinGen allele CA357934988.

ClinVar aggregate classification (germline): Conflicting classifications of pathogenicity. Review status: criteria provided, conflicting classifications (1 of 4 stars). 5 submissions from 5 submitters: Pathogenic (2); Likely pathogenic (2); Uncertain significance (1). Last evaluated 2025-09-10.

Conditions:
ANK2-related disorder. Also called: ANK2-related condition.
Cardiovascular phenotype. Identifiers: MedGen CN230736.

Allele frequency attached by ClinVar (database versions not stated): gnomAD exomes below 0.00001.
gnomAD v4.1: 1 of 1,614,148 alleles (0.000062%); highest among the groups gnomAD compares: Non-Finnish European, 0.000085%; no homozygotes.

Submissions (5):

3billion
Classification: Uncertain significance for ANK2-related disorder. Last evaluated: 2025-09-10. Review status: criteria provided, single submitter. Criteria: ACMG Guidelines, 2015. Collection method: clinical testing. Allele origin: germline. Affected: yes.
Comment: The variant is observed at an extremely low frequency in the gnomAD v4.1.0 dataset (total allele frequency: <0.001%). Predicted Consequence/Location: Stop-gained (nonsense): predicted to result in a loss or disruption of normal protein function through nonsense-mediated decay (NMD) or protein truncation. Multiple pathogenic variants are reported downstream of the variant. The variant has been reported at least twice as pathogenic with clinical assertions and evidence for the classification (ClinVar ID: VCV000809661). Therefore, this variant is classified as VUS according to the recommendation of ACMG/AMP guideline.

Ambry Genetics
Classification: Pathogenic for Cardiovascular phenotype. Last evaluated: 2022-12-21. Review status: criteria provided, single submitter. Criteria: Ambry Variant Classification Scheme 2023. Collection method: clinical testing. Allele origin: germline.
Comment: The p.R982* pathogenic mutation (also known as c.2944C>T), located in coding exon 27 of the ANK2 gene, results from a C to T substitution at nucleotide position 2944. This changes the amino acid from an arginine to a stop codon within coding exon 27. This variant is considered to be rare based on population cohorts in the Genome Aggregation Database (gnomAD). This alteration is expected to result in loss of function by premature protein truncation or nonsense-mediated mRNA decay. Based on the supporting evidence, this variant is expected to be causative of ANK2-related neurodevelopmental disorder. However, the evidence for the gene-disease relationship is limited for cardiac disease; therefore, the clinical significance of this alteration for ANK2-related arrhythmia is unclear.

AiLife Diagnostics
Classification: Likely pathogenic. Last evaluated: 2021-09-29. Review status: criteria provided, single submitter. Criteria: ACMG Guidelines, 2015. Collection method: clinical testing. Allele origin: germline. Affected: yes. Observed: 2 variant alleles.

Knight Diagnostic Laboratories, Oregon Health and Sciences University
Classification: Pathogenic. Last evaluated: 2019-07-08. Review status: criteria provided, single submitter. Criteria: ACMG Guidelines, 2015. Collection method: clinical testing. Allele origin: germline. Observed: 1 variant allele.

CeGaT Center for Human Genetics Tuebingen
Classification: Likely pathogenic. Last evaluated: 2019-03-01. Review status: criteria provided, single submitter. Criteria: CeGaT Center For Human Genetics Tuebingen Variant Classification Criteria Version 2. Collection method: clinical testing. Allele origin: germline. Affected: yes. Observed: 1 variant allele.